The following is an entry in ClinVar:

NM_003183.6(ADAM17):c.2172_2173insA (p.Arg725fs)

Genes: ADAM17 (ADAM metallopeptidase domain 17; minus strand), IAH1 (isoamyl acetate hydrolyzing esterase 1 (putative); plus strand). Cytogenetic location: 2p25.1.
Variant type: Insertion.
Coding change: c.2172_2173insA on transcript NM_003183.6 (MANE Select); coding-DNA positions 2172 to 2173, A inserted.
Protein change: p.Arg725fs; shifts the reading frame from arginine 725.
Molecular consequence: frameshift variant.
Genome position: GRCh38 VCF-style: chr2-9490479-G-GT. GRCh37 (hg19) VCF-style: chr2-9630608-G-GT.
Other names: c.1512_1513insA, p.Arg505fs (NM_001382777.1); c.1275_1276insA, p.Arg426fs (NM_001382778.1); short protein forms R505fs, R725fs, R426fs.
Identifiers: ClinVar variation 951710 (VCV000951710.6), dbSNP rs1257938701, ClinGen allele CA530848662.

ClinVar aggregate classification (germline): Uncertain significance (1 of 4 stars; one submission).

Conditions:
Inflammatory skin and bowel disease, neonatal, 1. Identifiers: Orphanet 294023, MedGen C3280501, MONDO:0013693, OMIM 614328.

Allele frequency attached by ClinVar (database versions not stated): gnomAD exomes below 0.00001 and 0.00001; TOPMed below 0.00001; gnomAD 0.00001.

Submission:

Labcorp Genetics (formerly Invitae), Labcorp
Classification: Uncertain significance for Inflammatory skin and bowel disease, neonatal, 1. Last evaluated: 2019-07-17. Review status: criteria provided, single submitter. Criteria: Invitae Variant Classification Sherloc (09022015). Collection method: clinical testing. Allele origin: germline.
Comment: In summary, the available evidence is currently insufficient to determine the role of this variant in disease. Therefore, it has been classified as a Variant of Uncertain Significance. Experimental studies and prediction algorithms are not available or were not evaluated for this variant, and the functional significance of the affected amino acid(s) is currently unknown. This variant has not been reported in the literature in individuals with ADAM17-related conditions. This variant is not present in population databases (ExAC no frequency). This sequence change results in a premature translational stop signal in the ADAM17 gene (p.Arg725Thrfs*54). While this is not anticipated to result in nonsense mediated decay, it is expected to disrupt the last 100 amino acids of the ADAM17 protein.